The following is an entry in ClinVar:

ClinVar aggregate classification (germline): Uncertain significance. Review status: criteria provided, single submitter (1 of 4 stars). 2 submissions from 2 submitters: Uncertain significance (1). 1 of the submissions does not count toward it. Last evaluated 2021-10-07.

Conditions:
Bardet-Biedl syndrome (BBS). Identifiers: Orphanet 110, MedGen C0752166, MONDO:0015229.
TTC8-related disorder. Also called: TTC8-related condition.

Allele frequency attached by ClinVar (database versions not stated): gnomAD exomes below 0.00001 and 0.00001; TOPMed 0.00001.
gnomAD v4.1: 7 of 1,613,636 alleles (0.00043%); highest among the groups gnomAD compares: Admixed American, 0.0017%; no homozygotes.

Submissions (2):

Labcorp Genetics (formerly Invitae), Labcorp
Classification: Uncertain significance for Bardet-Biedl syndrome. Last evaluated: 2021-10-07. Review status: criteria provided, single submitter. Criteria: Invitae Variant Classification Sherloc (09022015). Collection method: clinical testing. Allele origin: germline.
Comment: This sequence change replaces tyrosine with cysteine at codon 212 of the TTC8 protein (p.Tyr212Cys). The tyrosine residue is moderately conserved and there is a large physicochemical difference between tyrosine and cysteine. This variant is not present in population databases (ExAC no frequency). This variant has not been reported in the literature in individuals affected with TTC8-related conditions. Algorithms developed to predict the effect of missense changes on protein structure and function are either unavailable or do not agree on the potential impact of this missense change (SIFT: "Tolerated"; PolyPhen-2: "Possibly Damaging"; Align-GVGD: "Class C0"). In summary, the available evidence is currently insufficient to determine the role of this variant in disease. Therefore, it has been classified as a Variant of Uncertain Significance.

PreventionGenetics, part of Exact Sciences
Classification: Uncertain significance for TTC8-related condition. Last evaluated: 2024-04-11. Review status: no assertion criteria provided. Collection method: clinical testing. Allele origin: germline. Not counted in ClinVar's aggregate classification.
Comment: The TTC8 c.665A>G variant is predicted to result in the amino acid substitution p.Tyr222Cys. To our knowledge, this variant has not been reported in the literature. This variant is reported in 0.00088% of alleles in individuals of European (Non-Finnish) descent in gnomAD. At this time, the clinical significance of this variant is uncertain due to the absence of conclusive functional and genetic evidence.

NM_144596.4(TTC8):c.665A>G (p.Tyr222Cys)

Gene: TTC8 (tetratricopeptide repeat domain 8; plus strand). Cytogenetic location: 14q31.3.
Variant type: single nucleotide variant.
Coding change: c.665A>G on transcript NM_144596.4 (MANE Select); coding-DNA position 665, A replaced by G.
Protein change: p.Tyr222Cys; replaces tyrosine 222 with cysteine.
Molecular consequence: missense variant. On other transcripts: 5 prime UTR variant (1), non-coding transcript variant (1).
Genome position (GRCh38, 1-based): chr14:88,853,011, A>G. VCF-style: chr14-88853011-A-G. GRCh37 (hg19) VCF-style: chr14-89319355-A-G.
Other names: c.71A>G, p.Tyr24Cys (NM_001288782.1); c.-53A>G (NM_001288783.1); c.635A>G, p.Tyr212Cys (NM_001366535.2, NM_198309.3); c.545A>G, p.Tyr182Cys (NM_001366536.2, NM_198310.3); c.665A>G (NM_144596.3); c.713A>G, p.Tyr238Cys (NM_001288781.1); short protein forms Y182C, Y222C, Y238C, Y212C, Y24C.
Identifiers: ClinVar variation 1045512 (VCV001045512.5), dbSNP rs1257221355, ClinGen allele CA390544561.
Genomic context (GRCh38, chr14:88,853,011, plus strand): 5'-AAAATGAATTGTTTTCAAAGGCTTTGGATCTGGCTGCCCTCTCCACAGAACATTCTCAGT[A>G]CAAGGACTGGTGGTGGAAAGTACAGATTGGAAAATGTTACTACAGGTAAATTTCATTATT-3'
Protein context (NP_653197.2, residues 212-232): LAALSTEHSQ[Tyr222Cys]KDWWWKVQIG